The following is an entry in ClinVar:

NM_014003.4(DHX38):c.3115C>T (p.Arg1039Trp)

Genes: DHX38 (DEAH-box helicase 38; plus strand), LOC126862391 (CDK7 strongly-dependent group 2 enhancer GRCh37_chr16:72141414-72142613; plus strand). Cytogenetic location: 16q22.2.
Variant type: single nucleotide variant.
Coding change: c.3115C>T on transcript NM_014003.4 (MANE Select); coding-DNA position 3115, C replaced by T.
Protein change: p.Arg1039Trp; replaces arginine 1039 with tryptophan.
Molecular consequence: missense variant.
Genome position (GRCh38, 1-based): chr16:72,108,377, C>T. VCF-style: chr16-72108377-C-T. GRCh37 (hg19) VCF-style: chr16-72142276-C-T.
Other names: c.3115C>T (NM_014003.3); short protein forms R1039W.
Identifiers: ClinVar variation 1446311 (VCV001446311.6), dbSNP rs926645335, ClinGen allele CA396715962.

ClinVar aggregate classification (germline): Uncertain significance. Review status: criteria provided, multiple submitters, no conflicts (2 of 4 stars). 2 submissions from 2 submitters: Uncertain significance (2). Last evaluated 2025-12-01.

Allele frequency attached by ClinVar (database versions not stated): gnomAD exomes below 0.00001; gnomAD 0.00001.
gnomAD v4.1: 7 of 1,613,944 alleles (0.00043%); highest among the groups gnomAD compares: African/African-American, 0.0027%; no homozygotes.

Submissions (2):

Labcorp Genetics (formerly Invitae), Labcorp
Classification: Uncertain significance. Last evaluated: 2025-12-01. Review status: criteria provided, single submitter. Criteria: Invitae Variant Classification Sherloc (09022015). Collection method: clinical testing. Allele origin: germline.
Comment: This sequence change replaces arginine, which is basic and polar, with tryptophan, which is neutral and slightly polar, at codon 1039 of the DHX38 protein (p.Arg1039Trp). This variant is present in population databases (no rsID available, gnomAD 0.0009%). This variant has not been reported in the literature in individuals affected with DHX38-related conditions. ClinVar contains an entry for this variant (Variation ID: 1446311). Invitae Evidence Modeling of protein sequence and biophysical properties (such as structural, functional, and spatial information, amino acid conservation, physicochemical variation, residue mobility, and thermodynamic stability) indicates that this missense variant is expected to disrupt DHX38 protein function with a positive predictive value of 80%. In summary, the available evidence is currently insufficient to determine the role of this variant in disease. Therefore, it has been classified as a Variant of Uncertain Significance.

Ambry Genetics
Classification: Uncertain significance. Last evaluated: 2025-08-09. Review status: criteria provided, single submitter. Criteria: Ambry Variant Classification Scheme 2023. Collection method: clinical testing. Allele origin: germline.